The following is an entry in ClinVar:

NM_000321.3(RB1):c.2093G>C (p.Arg698Thr)

Gene: RB1 (RB transcriptional corepressor 1; plus strand). Cytogenetic location: 13q14.2.
Variant type: single nucleotide variant.
Coding change: c.2093G>C on transcript NM_000321.3 (MANE Select); coding-DNA position 2093, G replaced by C.
Protein change: p.Arg698Thr; replaces arginine 698 with threonine.
Molecular consequence: missense variant.
Genome position (GRCh38, 1-based): chr13:48,459,820, G>C. VCF-style: chr13-48459820-G-C. GRCh37 (hg19) VCF-style: chr13-49033956-G-C.
Other names: c.2093G>C, p.Arg698Thr (NM_001407165.1); short protein forms R698T.
Identifiers: ClinVar variation 1785760 (VCV001785760.8), dbSNP rs2138336481, ClinGen allele CA388166949.

ClinVar aggregate classification (germline): Conflicting classifications of pathogenicity. Review status: criteria provided, conflicting classifications (1 of 4 stars). 3 submissions from 3 submitters: Pathogenic (1); Likely pathogenic (1); Uncertain significance (1). Last evaluated 2024-08-29.

Conditions:
Hereditary cancer-predisposing syndrome. Also called: Neoplastic Syndromes, Hereditary; Tumor predisposition; Hereditary Cancer Syndrome; Hereditary neoplastic syndrome. Identifiers: Orphanet 140162, MedGen C0027672, MeSH D009386, MONDO:0015356.
Retinoblastoma (RB1). Also called: RETINOBLASTOMA, SOMATIC. Identifiers: Orphanet 790, MedGen C0035335, MeSH D012175, MONDO:0008380, OMIM 180200, HP:0009919. Disease mechanism: loss of function. Inheritance: Both sporadic and heritable forms are tested..

Submissions (3):

Labcorp Genetics (formerly Invitae), Labcorp
Classification: Uncertain significance for Retinoblastoma. Last evaluated: 2024-08-29. Review status: criteria provided, single submitter. Criteria: Invitae Variant Classification Sherloc (09022015). Collection method: clinical testing. Allele origin: germline.
Comment: This sequence change replaces arginine, which is basic and polar, with threonine, which is neutral and polar, at codon 698 of the RB1 protein (p.Arg698Thr). This variant is not present in population databases (gnomAD no frequency). This variant has not been reported in the literature in individuals affected with RB1-related conditions. ClinVar contains an entry for this variant (Variation ID: 1785760). Invitae Evidence Modeling of protein sequence and biophysical properties (such as structural, functional, and spatial information, amino acid conservation, physicochemical variation, residue mobility, and thermodynamic stability) indicates that this missense variant is expected to disrupt RB1 protein function with a positive predictive value of 80%. In summary, the available evidence is currently insufficient to determine the role of this variant in disease. Therefore, it has been classified as a Variant of Uncertain Significance.

Genetic Diagnostic Laboratory, University of Pennsylvania School of Medicine
Classification: Likely pathogenic for Retinoblastoma. Last evaluated: 2024-05-20. Review status: criteria provided, single submitter. Criteria: ACMG Guidelines, 2015. Collection method: clinical testing. Allele origin: germline. Affected: yes. Observed: 3 variant alleles.
Comment: Case and Pedigree Information: BILATERAL CASES:0, UNILATERAL CASES:3, TOTAL CASES:3, PEDIGREES:2. ACMG Codes Applied:PM1, PM2, PS4SUP

Ambry Genetics
Classification: Pathogenic for Hereditary cancer-predisposing syndrome. Last evaluated: 2021-04-05. Review status: criteria provided, single submitter. Criteria: Ambry Variant Classification Scheme 2023. Collection method: clinical testing. Allele origin: germline.
Comment: The p.R698T variant (also known as c.2093G>C), located in coding exon 20 of the RB1 gene, results from a G to C substitution at nucleotide position 2093. The arginine at codon 698 is replaced by threonine, an amino acid with similar properties. This alteration has been observed in multiple individuals with a personal and/or family history that is consistent with RB1-related disease (Ambry internal data). Based on internal structural analysis, R698T is deleterious. The variant is mildly destabilizing to the local structure. The variant has nearby pathogenic variants and has no nearby benign variants. This amino acid position is highly conserved in available vertebrate species. In addition, this alteration is predicted to be deleterious by in silico analysis. Based on the supporting evidence, this alteration is interpreted as a disease-causing mutation.